The following is an entry in ClinVar:

NM_032601.4(MCEE):c.40+1G>T

Gene: MCEE (methylmalonyl-CoA epimerase; minus strand). Cytogenetic location: 2p13.3.
Variant type: single nucleotide variant.
Coding change: c.40+1G>T on transcript NM_032601.4 (MANE Select); the canonical splice donor site of the intron after coding-DNA position 40, G replaced by T.
Molecular consequence: splice donor variant.
Genome position (GRCh38, 1-based): chr2:71,130,179, C>A on the plus strand (G>T on the coding strand, the complement: MCEE is on the minus strand). VCF-style: chr2-71130179-C-A. GRCh37 (hg19) VCF-style: chr2-71357309-C-A.
Identifiers: ClinVar variation 2771364 (VCV002771364.3), dbSNP rs146603886, ClinGen allele CA1702679.
Genomic context (GRCh38, chr2:71,130,179, plus strand): 5'-CCCGACCGCCGTTCCCACGCTCCCTGTCCCATGGCGAAGGTCGCCGGTGCCCGGTATTCA[C>A]CTACGGCATTCGCGGCTGCAGCCTTCAGCACCCGCGCCATTTTGGAAAGCAACCCGCCAC-3'

ClinVar aggregate classification (germline): Likely pathogenic (1 of 4 stars; one submission).

Conditions:
Methylmalonic acidemia due to methylmalonyl-CoA epimerase deficiency. Also called: Methylmalonyl-CoA Epimerase Deficiency; METHYLMALONYL-CoA RACEMASE DEFICIENCY; METHYLMALONIC ACIDURIA III. Identifiers: Orphanet 308425, MedGen C1855100, MONDO:0009615, OMIM 251120.

Allele frequency attached by ClinVar (database versions not stated): ExAC 0.00001; gnomAD 0.00001; TOPMed 0.00001; ESP Exome Variant Server 0.00008.

Submission:

Labcorp Genetics (formerly Invitae), Labcorp
Classification: Likely pathogenic for Methylmalonic acidemia due to methylmalonyl-CoA epimerase deficiency. Last evaluated: 2023-10-23. Review status: criteria provided, single submitter. Criteria: Invitae Variant Classification Sherloc (09022015). Collection method: clinical testing. Allele origin: germline.
Comment: This sequence change affects a donor splice site in intron 1 of the MCEE gene. It is expected to disrupt RNA splicing. Variants that disrupt the donor or acceptor splice site typically lead to a loss of protein function (PMID: 16199547), and loss-of-function variants in MCEE are known to be pathogenic (PMID: 16697227, 16752391, 30682498). The frequency data for this variant in the population databases is considered unreliable, as metrics indicate poor data quality at this position in the gnomAD database. This variant has not been reported in the literature in individuals affected with MCEE-related conditions. Algorithms developed to predict the effect of sequence changes on RNA splicing suggest that this variant may disrupt the consensus splice site. In summary, the currently available evidence indicates that the variant is pathogenic, but additional data are needed to prove that conclusively. Therefore, this variant has been classified as Likely Pathogenic.

Literature cited by the submitters: PubMed 16199547; PubMed 16697227; PubMed 16752391; PubMed 30682498.